The following is an entry in ClinVar:

NM_000308.4(CTSA):c.357+3A>G

Gene: CTSA (cathepsin A; plus strand). Cytogenetic location: 20q13.12.
Variant type: single nucleotide variant.
Coding change: c.357+3A>G on transcript NM_000308.4 (MANE Select); 3 bases into the intron after coding-DNA position 357, A replaced by G.
Molecular consequence: intron variant.
Genome position (GRCh38, 1-based): chr20:45,892,326, A>G. VCF-style: chr20-45892326-A-G. GRCh37 (hg19) VCF-style: chr20-44520965-A-G.
Other names: c.357+3A>G (NM_001127695.3); c.307-72A>G (NM_001167594.3).
Identifiers: ClinVar variation 845370 (VCV000845370.7), dbSNP rs1413013327, ClinGen allele CA636029704.

ClinVar aggregate classification (germline): Uncertain significance (1 of 4 stars; one submission).

Conditions:
Combined deficiency of sialidase AND beta galactosidase (GSL). Also called: Galactosialidosis; CATHEPSIN A DEFICIENCY; GOLDBERG SYNDROME; NEURAMINIDASE DEFICIENCY WITH BETA-GALACTOSIDASE DEFICIENCY; NEURAMINIDASE/BETA-GALACTOSIDASE EXPRESSION; PPCA DEFICIENCY. Identifiers: Orphanet 351, MedGen C0268233, MONDO:0009737, OMIM 256540.

Allele frequency attached by ClinVar (database versions not stated): gnomAD exomes below 0.00001 and 0.00001; TOPMed below 0.00001.

Submission:

Labcorp Genetics (formerly Invitae), Labcorp
Classification: Uncertain significance for Combined deficiency of sialidase AND beta galactosidase. Last evaluated: 2019-12-11. Review status: criteria provided, single submitter. Criteria: Invitae Variant Classification Sherloc (09022015). Collection method: clinical testing. Allele origin: germline.
Comment: This sequence change falls in intron 4 of the CTSA gene. It does not directly change the encoded amino acid sequence of the CTSA protein, but it affects a nucleotide within the consensus splice site of the intron. This variant is not present in population databases (ExAC no frequency). In summary, the available evidence is currently insufficient to determine the role of this variant in disease. Therefore, it has been classified as a Variant of Uncertain Significance. Nucleotide substitutions within the consensus splice site are a relatively common cause of aberrant splicing (PMID: 17576681, 9536098). This variant has not been reported in the literature in individuals with CTSA-related conditions.

Literature cited by the submitters: PubMed 17576681; PubMed 9536098.